The following is an entry in ClinVar:

NM_002474.3(MYH11):c.4324C>G (p.Leu1442Val)

Genes: MYH11 (myosin heavy chain 11; minus strand), NDE1 (nudE neurodevelopment protein 1; plus strand). Cytogenetic location: 16p13.11.
Variant type: single nucleotide variant.
Coding change: c.4324C>G on transcript NM_002474.3 (MANE Select); coding-DNA position 4324, C replaced by G.
Protein change: p.Leu1442Val; replaces leucine 1442 with valine.
Molecular consequence: missense variant.
Genome position (GRCh38, 1-based): chr16:15,724,202, G>C on the plus strand (C>G on the coding strand, the complement: MYH11 is on the minus strand). VCF-style: chr16-15724202-G-C. GRCh37 (hg19) VCF-style: chr16-15818059-G-C.
Other names: c.4345C>G, p.Leu1449Val (NM_001040113.2, NM_001040114.2); c.4324C>G, p.Leu1442Val (NM_022844.3); c.959G>C, p.Ser320Thr (NM_001143979.2, NM_017668.3); short protein forms L1449V, S320T, L1442V.
Identifiers: ClinVar variation 2974378 (VCV002974378.3), dbSNP rs2506140601, ClinGen allele CA394856944.
Genomic context (GRCh38, chr16:15,724,202, plus strand): 5'-GACACCCCACGCCCTCTACCTGATCAAATTTCCTCTGCTTCTTTTCCAGGTTGGACACGA[G>C]TTGCCGCTGGTTGTCCAAATCAACAACCAGGTCGTCCAGCTCCTGCTGAAGCCTGTTCTT-3'
Protein context (NP_002465.1, residues 1432-1452): LVVDLDNQRQ[Leu1442Val]VSNLEKKQRK

ClinVar aggregate classification (germline): Uncertain significance (1 of 4 stars; one submission).

Conditions:
Aortic aneurysm, familial thoracic 4 (AAT4). Also called: AORTIC ANEURYSM/AORTIC DISSECTION AND PATENT DUCTUS ARTERIOSUS. Identifiers: MedGen C1851504, MONDO:0007568, OMIM 132900.

Submission:

Labcorp Genetics (formerly Invitae), Labcorp
Classification: Uncertain significance for Aortic aneurysm, familial thoracic 4. Last evaluated: 2023-04-14. Review status: criteria provided, single submitter. Criteria: Invitae Variant Classification Sherloc (09022015). Collection method: clinical testing. Allele origin: germline.
Comment: In summary, the available evidence is currently insufficient to determine the role of this variant in disease. Therefore, it has been classified as a Variant of Uncertain Significance. Advanced modeling of protein sequence and biophysical properties (such as structural, functional, and spatial information, amino acid conservation, physicochemical variation, residue mobility, and thermodynamic stability) performed at Invitae indicates that this missense variant is not expected to disrupt MYH11 protein function. This variant has not been reported in the literature in individuals affected with MYH11-related conditions. This variant is not present in population databases (gnomAD no frequency). This sequence change replaces leucine, which is neutral and non-polar, with valine, which is neutral and non-polar, at codon 1449 of the MYH11 protein (p.Leu1449Val).